The following is an entry in ClinVar:

NM_000264.5(PTCH1):c.496G>C (p.Gly166Arg)

Gene: PTCH1 (patched 1; minus strand). Cytogenetic location: 9q22.32.
Variant type: single nucleotide variant.
Coding change: c.496G>C on transcript NM_000264.5 (MANE Select); coding-DNA position 496, G replaced by C.
Protein change: p.Gly166Arg; replaces glycine 166 with arginine.
Molecular consequence: missense variant. On other transcripts: non-coding transcript variant (1).
Genome position (GRCh38, 1-based): chr9:95,485,773, C>G on the plus strand (G>C on the coding strand, the complement: PTCH1 is on the minus strand). VCF-style: chr9-95485773-C-G. GRCh37 (hg19) VCF-style: chr9-98248055-C-G.
Other names: c.298G>C, p.Gly100Arg (NM_001083602.3, NM_001354919.2); c.493G>C, p.Gly165Arg (NM_001083603.3); c.43G>C, p.Gly15Arg (NM_001083604.3, NM_001083605.3, NM_001083606.3 and 1 more transcripts); c.496G>C, p.Gly166Arg (NM_001354918.2); short protein forms G165R, G166R, G15R, G100R.
Identifiers: ClinVar variation 5027448 (VCV005027448.1).

ClinVar aggregate classification (germline): Uncertain significance (1 of 4 stars; one submission).

Conditions:
Hereditary cancer-predisposing syndrome. Also called: Neoplastic Syndromes, Hereditary; Tumor predisposition; Hereditary neoplastic syndrome; Hereditary Cancer Syndrome. Identifiers: Orphanet 140162, MedGen C0027672, MeSH D009386, MONDO:0015356.

Submission:

Ambry Genetics
Classification: Uncertain significance for Hereditary cancer-predisposing syndrome. Last evaluated: 2026-06-22. Review status: criteria provided, single submitter. Criteria: Ambry Variant Classification Scheme 2023. Collection method: clinical testing. Allele origin: germline.
Comment: The p.G166R variant (also known as c.496G>C), located in coding exon 3 of the PTCH1 gene, results from a G to C substitution at nucleotide position 496. The glycine at codon 166 is replaced by arginine, an amino acid with dissimilar properties. This amino acid position is conserved. In addition, the in silico prediction for this alteration is inconclusive. Based on the available evidence, the clinical significance of this variant remains unclear.